The following is an entry in ClinVar:

ClinVar aggregate classification (germline): Conflicting classifications of pathogenicity. Review status: criteria provided, conflicting classifications (1 of 4 stars). 5 submissions from 5 submitters: Uncertain significance (4); Likely benign (1). Last evaluated 2026-01-28.

Conditions:
Primary ciliary dyskinesia. Also called: Ciliary dyskinesia. Identifiers: Orphanet 244, MedGen C0008780, MONDO:0016575, HP:0012265.
Primary ciliary dyskinesia 7. Also called: CILIARY DYSKINESIA, PRIMARY, 7, WITH OR WITHOUT SITUS INVERSUS. Identifiers: Orphanet 244, MedGen C2678473, MONDO:0012748, OMIM 611884.

Allele frequency attached by ClinVar (database versions not stated): gnomAD 0.00008 and 0.00009; ExAC 0.00010; gnomAD exomes 0.00011; TOPMed 0.00014; 1000 Genomes Project 30x 0.00016; 1000 Genomes Project 0.00020.
gnomAD v4.1: 86 of 1,613,842 alleles (0.0053%); highest among the groups gnomAD compares: Admixed American, 0.065%; no homozygotes.

Submissions (5):

Labcorp Genetics (formerly Invitae), Labcorp
Classification: Likely benign for Primary ciliary dyskinesia. Last evaluated: 2026-01-28. Review status: criteria provided, single submitter. Criteria: Invitae Variant Classification Sherloc (09022015). Collection method: clinical testing. Allele origin: germline.

Ambry Genetics
Classification: Uncertain significance for Primary ciliary dyskinesia. Last evaluated: 2025-11-24. Review status: criteria provided, single submitter. Criteria: Ambry Variant Classification Scheme 2023. Collection method: clinical testing. Allele origin: germline.
Comment: The p.N3694I variant (also known as c.11081A>T), located in coding exon 68 of the DNAH11 gene, results from an A to T substitution at nucleotide position 11081. The asparagine at codon 3694 is replaced by isoleucine, an amino acid with dissimilar properties. This amino acid position is highly conserved in available vertebrate species. In addition, this alteration is predicted to be tolerated by in silico analysis. Since supporting evidence is limited at this time, the clinical significance of this alteration remains unclear.

CeGaT Center for Human Genetics Tuebingen
Classification: Uncertain significance. Last evaluated: 2025-02-01. Review status: criteria provided, single submitter. Criteria: CeGaT Center For Human Genetics Tuebingen Variant Classification Criteria Version 2. Collection method: clinical testing. Allele origin: germline. Affected: yes. Observed: 1 variant allele.
Comment: DNAH11: PM2

Blueprint Genetics
Classification: Uncertain significance. Last evaluated: 2024-11-13. Review status: criteria provided, single submitter. Criteria: ACMG Guidelines, 2015. Collection method: clinical testing. Allele origin: germline.

Fulgent Genetics
Classification: Uncertain significance for Primary ciliary dyskinesia 7. Last evaluated: 2022-02-28. Review status: criteria provided, single submitter. Criteria: ACMG Guidelines, 2015. Collection method: clinical testing. Allele origin: unknown.

NM_001277115.2(DNAH11):c.11081A>T (p.Asn3694Ile)

Gene: DNAH11 (dynein axonemal heavy chain 11; plus strand). Cytogenetic location: 7p15.3.
Variant type: single nucleotide variant.
Coding change: c.11081A>T on transcript NM_001277115.2 (MANE Select); coding-DNA position 11081, A replaced by T.
Protein change: p.Asn3694Ile; replaces asparagine 3694 with isoleucine.
Molecular consequence: missense variant.
Genome position (GRCh38, 1-based): chr7:21,854,334, A>T. VCF-style: chr7-21854334-A-T. GRCh37 (hg19) VCF-style: chr7-21893952-A-T.
Other names: short protein forms N3694I.
Identifiers: ClinVar variation 359675 (VCV000359675.30), dbSNP rs528354205, ClinGen allele CA4182613.